The following is an entry in ClinVar:

NM_002458.3(MUC5B):c.11653C>A (p.Arg3885Ser)

Genes: MUC5B (mucin 5B, oligomeric mucus/gel-forming; plus strand), MUC5B-AS1 (MUC5B antisense RNA 1; minus strand). Cytogenetic location: 11p15.5.
Variant type: single nucleotide variant.
Coding change: c.11653C>A on transcript NM_002458.3 (MANE Select); coding-DNA position 11653, C replaced by A.
Protein change: p.Arg3885Ser; replaces arginine 3885 with serine.
Molecular consequence: missense variant.
Genome position (GRCh38, 1-based): chr11:1,248,533, C>A. VCF-style: chr11-1248533-C-A. GRCh37 (hg19) VCF-style: chr11-1269763-C-A.
Other names: short protein forms R3885S.
Identifiers: ClinVar variation 3388317 (VCV003388317.14).

ClinVar aggregate classification (germline): Likely benign (1 of 4 stars; one submission).

Submission:

CeGaT Center for Human Genetics Tuebingen
Classification: Likely benign. Last evaluated: 2025-01-01. Review status: criteria provided, single submitter. Criteria: CeGaT Center For Human Genetics Tuebingen Variant Classification Criteria Version 2. Collection method: clinical testing. Allele origin: germline. Affected: yes. Observed: 2 variant alleles.
Comment: MUC5B: BP4, BS1